The following is an entry in ClinVar:

NM_145207.3(AFG2A):c.1607del (p.Leu536fs)

Gene: AFG2A (AAA ATPase AFG2A; plus strand). Cytogenetic location: 4q28.1.
Variant type: Deletion.
Coding change: c.1607del on transcript NM_145207.3 (MANE Select); coding-DNA position 1607, one base deleted (T; older notation c.1607delT).
Protein change: p.Leu536fs; shifts the reading frame from leucine 536.
Molecular consequence: frameshift variant.
Genome position (GRCh38, 1-based): chr4:122,947,381, T deleted. VCF-style (leftmost placement, unchanged base first): chr4-122947380-CT-C. GRCh37 (hg19) VCF-style: chr4-123868535-CT-C.
Other names: c.1604del, p.Leu535fs (NM_001317799.2, NM_001345856.2); short protein forms L535fs, L536fs.
Identifiers: ClinVar variation 1695107 (VCV001695107.35), dbSNP rs1730087475, ClinGen allele CA1067524743.

ClinVar aggregate classification (germline): Pathogenic. Review status: criteria provided, multiple submitters, no conflicts (2 of 4 stars). 2 submissions from 2 submitters: Pathogenic (2). Last evaluated 2025-05-01.

Conditions:
Microcephaly-intellectual disability-sensorineural hearing loss-epilepsy-abnormal muscle tone syndrome (NEDHSB). Also called: NEURODEVELOPMENTAL DISORDER WITH HEARING LOSS, SEIZURES, AND BRAIN ABNORMALITIES. Identifiers: Orphanet 457351, MedGen C4225276, MONDO:0014698, OMIM 616577.

Allele frequency attached by ClinVar (database versions not stated): gnomAD exomes below 0.00001; gnomAD 0.00001; TOPMed 0.00001.

Submissions (2):

CeGaT Center for Human Genetics Tuebingen
Classification: Pathogenic. Last evaluated: 2025-05-01. Review status: criteria provided, single submitter. Criteria: CeGaT Center For Human Genetics Tuebingen Variant Classification Criteria Version 2. Collection method: clinical testing. Allele origin: germline. Affected: yes. Observed: 2 variant alleles.
Comment: AFG2A: PVS1, PM2

Labcorp Genetics (formerly Invitae), Labcorp
Classification: Pathogenic for Microcephaly-intellectual disability-sensorineural hearing loss-epilepsy-abnormal muscle tone syndrome. Last evaluated: 2025-01-27. Review status: criteria provided, single submitter. Criteria: Invitae Variant Classification Sherloc (09022015). Collection method: clinical testing. Allele origin: germline.
Comment: This sequence change creates a premature translational stop signal (p.Leu536Argfs*29) in the SPATA5 gene. It is expected to result in an absent or disrupted protein product. Loss-of-function variants in SPATA5 are known to be pathogenic (PMID: 26299366). This variant is not present in population databases (gnomAD no frequency). This variant has not been reported in the literature in individuals affected with SPATA5-related conditions. ClinVar contains an entry for this variant (Variation ID: 1695107). For these reasons, this variant has been classified as Pathogenic.

Literature cited by the submitters: PubMed 26299366 (cited by Labcorp Genetics (formerly Invitae), Labcorp).